The following is an entry in ClinVar:

ClinVar aggregate classification (germline): Uncertain significance (1 of 4 stars; one submission).

Allele frequency attached by ClinVar (database versions not stated): gnomAD exomes below 0.00001.

Submission:

Labcorp Genetics (formerly Invitae), Labcorp
Classification: Uncertain significance. Last evaluated: 2021-04-21. Review status: criteria provided, single submitter. Criteria: Invitae Variant Classification Sherloc (09022015). Collection method: clinical testing. Allele origin: germline.
Comment: In summary, the available evidence is currently insufficient to determine the role of this variant in disease. Therefore, it has been classified as a Variant of Uncertain Significance. Algorithms developed to predict the effect of missense changes on protein structure and function output the following: SIFT: "Tolerated"; PolyPhen-2: "Benign"; Align-GVGD: "Class C0". The serine amino acid residue is found in multiple mammalian species, suggesting that this missense change does not adversely affect protein function. These predictions have not been confirmed by published functional studies and their clinical significance is uncertain. This variant has not been reported in the literature in individuals with OPN1SW-related conditions. This variant is not present in population databases (ExAC no frequency). This sequence change replaces cysteine with serine at codon 96 of the OPN1SW protein (p.Cys96Ser). The cysteine residue is moderately conserved and there is a moderate physicochemical difference between cysteine and serine.

NM_001385125.1(OPN1SW):c.278G>C (p.Cys93Ser)

Gene: OPN1SW (opsin 1, short wave sensitive; minus strand). Cytogenetic location: 7q32.1.
Variant type: single nucleotide variant.
Coding change: c.278G>C on transcript NM_001385125.1 (MANE Select); coding-DNA position 278, G replaced by C.
Protein change: p.Cys93Ser; replaces cysteine 93 with serine.
Molecular consequence: missense variant.
Genome position (GRCh38, 1-based): chr7:128,775,504, C>G on the plus strand (G>C on the coding strand, the complement: OPN1SW is on the minus strand). VCF-style: chr7-128775504-C-G. GRCh37 (hg19) VCF-style: chr7-128415558-C-G.
Other names: short protein forms C93S.
Identifiers: ClinVar variation 1515050 (VCV001515050.8), dbSNP rs2128886262, ClinGen allele CA369221611.